The following is an entry in ClinVar:

NM_000534.5(PMS1):c.175G>A (p.Glu59Lys)

Gene: PMS1 (PMS1 homolog 1, mismatch repair system component; plus strand). Cytogenetic location: 2q32.2.
Variant type: single nucleotide variant.
Coding change: c.175G>A on transcript NM_000534.5 (MANE Select); coding-DNA position 175, G replaced by A.
Protein change: p.Glu59Lys; replaces glutamic acid 59 with lysine.
Molecular consequence: missense variant. On other transcripts: 5 prime UTR variant (1), non-coding transcript variant (1), intron variant (2).
Genome position (GRCh38, 1-based): chr2:189,795,811, G>A. VCF-style: chr2-189795811-G-A. GRCh37 (hg19) VCF-style: chr2-190660537-G-A.
Other names: c.175G>A (NM_001321048.1); c.175G>A, p.Glu59Lys (NM_001128143.2, NM_001128144.2, NM_001321044.2 and 5 more transcripts); c.-251G>A (NM_001289408.2); c.132+3870G>A (NM_001321046.2); c.-111+3870G>A (NM_001289409.2); short protein forms E59K.
Identifiers: ClinVar variation 708165 (VCV000708165.12), dbSNP rs143265397, ClinGen allele CA2026317.
Genomic context (GRCh38, chr2:189,795,811, plus strand): 5'-TTTTTTGACATTTTATAGGAGAACTATGGATTTGATAAAATTGAGGTGCGAGATAACGGG[G>A]AGGGTATCAAGGCTGTTGATGCACCTGTAATGGCAATGAAGTACTACACCTCAAAAATAA-3'
Protein context (NP_000525.1, residues 49-69): FDKIEVRDNG[Glu59Lys]GIKAVDAPVM

ClinVar aggregate classification (germline): Likely benign. Review status: criteria provided, multiple submitters, no conflicts (2 of 4 stars). 4 submissions from 4 submitters: Likely benign (3). 1 of the submissions does not count toward it. Last evaluated 2026-03-01.

Conditions:
PMS1-related disorder. Also called: PMS1-related condition.

Allele frequency attached by ClinVar (database versions not stated): 1000 Genomes Project 30x 0.00047; 1000 Genomes Project 0.00060; TOPMed 0.00244; gnomAD 0.00252 and 0.00259; ESP Exome Variant Server 0.00261; gnomAD exomes 0.00275; ExAC 0.00331.
gnomAD v4.1: 5,975 of 1,613,856 alleles (0.37%); highest among the groups gnomAD compares: Non-Finnish European, 0.46%; 18 homozygotes.

Submissions (4):

CeGaT Center for Human Genetics Tuebingen
Classification: Likely benign. Last evaluated: 2026-03-01. Review status: criteria provided, single submitter. Criteria: CeGaT Center For Human Genetics Tuebingen Variant Classification Criteria Version 2. Collection method: clinical testing. Allele origin: germline. Affected: yes. Observed: 3 variant alleles.
Comment: PMS1: BP4, BS2

Blueprint Genetics
Classification: Likely benign. Last evaluated: 2024-11-25. Review status: criteria provided, single submitter. Criteria: ACMG Guidelines, 2015. Collection method: clinical testing. Allele origin: germline.

Labcorp Genetics (formerly Invitae), Labcorp
Classification: Likely benign. Last evaluated: 2019-12-31. Review status: criteria provided, single submitter. Criteria: Invitae Variant Classification Sherloc (09022015). Collection method: clinical testing. Allele origin: germline.

PreventionGenetics, part of Exact Sciences
Classification: Benign for PMS1-related condition. Last evaluated: 2020-09-29. Review status: no assertion criteria provided. Collection method: clinical testing. Allele origin: germline. Not counted in ClinVar's aggregate classification.
Comment: This variant is classified as benign based on ACMG/AMP sequence variant interpretation guidelines (Richards et al. 2015 PMID: 25741868, with internal and published modifications).